The following is an entry in ClinVar:

ClinVar aggregate classification (germline): Uncertain significance (1 of 4 stars; one submission).

Conditions:
Ehlers-Danlos syndrome, type 4 (EDSVASC). Also called: Ehlers-Danlos syndrome vascular type; Ehlers Danlos syndrome, ecchymotic type; Ehlers Danlos syndrome, arterial type; Ehlers Danlos syndrome, Sack-Barabas type; Ehlers-Danlos Syndrome Type IV. Identifiers: Orphanet 286, MedGen C0268338, MONDO:0017314, OMIM 130050.

gnomAD v4.1: 1 of 1,613,420 alleles (0.000062%); highest among the groups gnomAD compares: Non-Finnish European, 0.000085%; no homozygotes.

Submission:

All of Us Research Program, National Institutes of Health
Classification: Uncertain significance for Ehlers-Danlos syndrome, type 4. Last evaluated: 2024-07-29. Review status: criteria provided, single submitter. Criteria: ACMG Guidelines, 2015. Collection method: clinical testing. Allele origin: germline. Inheritance: Autosomal dominant inheritance. Observed: 1 variant allele, 1 heterozygote.
Comment: This missense variant replaces proline with serine at codon 644 of the COL3A1 protein. Computational prediction is inconclusive regarding the impact of this variant on protein structure and function (internally defined REVEL score threshold 0.5 < inconclusive < 0.7, PMID: 27666373). To our knowledge, functional studies have not been reported for this variant. This variant has not been reported in individuals affected with COL3A1-related disorders in the literature. This variant has been identified in 2/250824 chromosomes in the general population by the Genome Aggregation Database (gnomAD). The available evidence is insufficient to determine the role of this variant in disease conclusively. Therefore, this variant is classified as a Variant of Uncertain Significance.

This study involves interpretation of variants in research participants for the purpose of population health screening. Participant phenotype was not available at the time of variant classification. Additional details can be found in publication PMID: 35346344, PMCID: PMC8962531

NM_000090.4(COL3A1):c.1930C>T (p.Pro644Ser)

Gene: COL3A1 (collagen type III alpha 1 chain; plus strand). Cytogenetic location: 2q32.2.
Variant type: single nucleotide variant.
Coding change: c.1930C>T on transcript NM_000090.4 (MANE Select); coding-DNA position 1930, C replaced by T.
Protein change: p.Pro644Ser; replaces proline 644 with serine.
Molecular consequence: missense variant.
Genome position (GRCh38, 1-based): chr2:188,998,272, C>T. VCF-style: chr2-188998272-C-T. GRCh37 (hg19) VCF-style: chr2-189862998-C-T.
Other names: short protein forms P644S.
Identifiers: ClinVar variation 3386458 (VCV003386458.1).